The following is an entry in ClinVar:

ClinVar aggregate classification (germline): Uncertain significance (0 of 4 stars; one submission).

Conditions:
CEP290-related disorder. Also called: CEP290-related condition; CEP290-related disorders. Identifiers: MedGen CN239314.

Allele frequency attached by ClinVar (database versions not stated): gnomAD exomes below 0.00001; TOPMed 0.00001.
gnomAD v4.1: 2 of 1,613,586 alleles (0.00012%); highest among the groups gnomAD compares: South Asian, 0.0011%; no homozygotes.

Submission:

PreventionGenetics, part of Exact Sciences
Classification: Uncertain significance for CEP290-related condition. Last evaluated: 2024-01-30. Review status: no assertion criteria provided. Collection method: clinical testing. Allele origin: germline.
Comment: The CEP290 c.3670A>G variant is predicted to result in the amino acid substitution p.Ile1224Val. To our knowledge, this variant has not been reported in the literature. This variant is reported in 0.0033% of alleles in individuals of South Asian descent in gnomAD. At this time, the clinical significance of this variant is uncertain due to the absence of conclusive functional and genetic evidence.

NM_025114.4(CEP290):c.3670A>G (p.Ile1224Val)

Gene: CEP290 (centrosomal protein 290; minus strand). Cytogenetic location: 12q21.32.
Variant type: single nucleotide variant.
Coding change: c.3670A>G on transcript NM_025114.4 (MANE Select); coding-DNA position 3670, A replaced by G.
Protein change: p.Ile1224Val; replaces isoleucine 1224 with valine.
Molecular consequence: missense variant.
Genome position (GRCh38, 1-based): chr12:88,089,391, T>C on the plus strand (A>G on the coding strand, the complement: CEP290 is on the minus strand). VCF-style: chr12-88089391-T-C. GRCh37 (hg19) VCF-style: chr12-88483168-T-C.
Other names: short protein forms I1224V.
Identifiers: ClinVar variation 3036160 (VCV003036160.2), dbSNP rs1022942488, ClinGen allele CA241164632.